The following is an entry in ClinVar:

NM_015726.4(DCAF8):c.451C>T (p.Arg151Cys)

Gene: DCAF8 (DDB1 and CUL4 associated factor 8; minus strand). Cytogenetic location: 1q23.2.
Variant type: single nucleotide variant.
Coding change: c.451C>T on transcript NM_015726.4 (MANE Select); coding-DNA position 451, C replaced by T.
Protein change: p.Arg151Cys; replaces arginine 151 with cysteine.
Molecular consequence: missense variant. On other transcripts: non-coding transcript variant (4).
Genome position (GRCh38, 1-based): chr1:160,239,969, G>A on the plus strand (C>T on the coding strand, the complement: DCAF8 is on the minus strand). VCF-style: chr1-160239969-G-A. GRCh37 (hg19) VCF-style: chr1-160209759-G-A.
Other names: short protein forms R151C.
Identifiers: ClinVar variation 930290 (VCV000930290.3), dbSNP rs1228444617, ClinGen allele CA343231582.
Genomic context (GRCh38, chr1:160,239,969, plus strand): 5'-AGACAAAGCGGGCACTTGAACCCAGCTCCCGCTCCCGAAGGGCAGGGAGGGCTTGCCAGC[G>A]AGGTCGGGGTAGAGCTGATGTTTCTGAGGACACCCAGTCCTCTAGGGCCCGCTCATCATC-3'
Protein context (NP_056541.2, residues 141-161): SSETSALPRP[Arg151Cys]WQALPALRER

ClinVar aggregate classification (germline): Uncertain significance (1 of 4 stars; one submission).

Conditions:
Giant axonal neuropathy 2. Also called: Giant axonal neuropathy 2, autosomal dominant. Identifiers: Orphanet 401964, MedGen C1864695, MONDO:0012411, OMIM 610100.

Allele frequency attached by ClinVar (database versions not stated): TOPMed below 0.00001 and 0.00001.

Submission:

Centre for Mendelian Genomics, University Medical Centre Ljubljana
Classification: Uncertain significance for Giant axonal neuropathy 2. Last evaluated: 2019-01-03. Review status: criteria provided, single submitter. Criteria: ACMG Guidelines, 2015. Collection method: clinical testing. Allele origin: unknown. Affected: yes.
Comment: This variant was classified as: Uncertain significance. The following ACMG criteria were applied in classifying this variant: PM2,PP3.